The following is an entry in ClinVar:

NM_004268.5(MED17):c.1192G>A (p.Ala398Thr)

Gene: MED17 (mediator complex subunit 17; plus strand). Cytogenetic location: 11q21.
Variant type: single nucleotide variant.
Coding change: c.1192G>A on transcript NM_004268.5 (MANE Select); coding-DNA position 1192, G replaced by A.
Protein change: p.Ala398Thr; replaces alanine 398 with threonine.
Molecular consequence: missense variant.
Genome position (GRCh38, 1-based): chr11:93,797,583, G>A. VCF-style: chr11-93797583-G-A. GRCh37 (hg19) VCF-style: chr11-93530749-G-A.
Other names: short protein forms A398T.
Identifiers: ClinVar variation 2139878 (VCV002139878.1), dbSNP rs777520439, ClinGen allele CA6232558.

ClinVar aggregate classification (germline): Uncertain significance (1 of 4 stars; one submission).

Allele frequency attached by ClinVar (database versions not stated): gnomAD exomes below 0.00001; TOPMed below 0.00001; ExAC 0.00002.
gnomAD v4.1: 4 of 1,614,138 alleles (0.00025%); highest among the groups gnomAD compares: East Asian, 0.0045%; no homozygotes.

Submission:

Labcorp Genetics (formerly Invitae), Labcorp
Classification: Uncertain significance. Last evaluated: 2022-03-18. Review status: criteria provided, single submitter. Criteria: Invitae Variant Classification Sherloc (09022015). Collection method: clinical testing. Allele origin: germline.
Comment: This sequence change replaces alanine, which is neutral and non-polar, with threonine, which is neutral and polar, at codon 398 of the MED17 protein (p.Ala398Thr). This variant is present in population databases (rs777520439, gnomAD 0.02%). This variant has not been reported in the literature in individuals affected with MED17-related conditions. Algorithms developed to predict the effect of missense changes on protein structure and function are either unavailable or do not agree on the potential impact of this missense change (SIFT: "Deleterious"; PolyPhen-2: "Possibly Damaging"; Align-GVGD: "Class C0"). In summary, the available evidence is currently insufficient to determine the role of this variant in disease. Therefore, it has been classified as a Variant of Uncertain Significance.